The following is an entry in ClinVar:

ClinVar aggregate classification (germline): Uncertain significance (1 of 4 stars; one submission).

Conditions:
Mucopolysaccharidosis, MPS-III-A (MPS3A). Also called: Mucopolysaccharidosis, type IIIA; mucopolysaccharidosis type 3A; MPS IIIA (Sanfilippo Syndrome Type A); HEPARAN SULFATE SULFATASE DEFICIENCY; Mucopolysaccharidosis type IIIA (Sanfilippo A); SANFILIPPO SYNDROME A. Identifiers: Orphanet 581, Orphanet 79269, MedGen C0086647, MONDO:0009655, OMIM 252900.

Allele frequency attached by ClinVar (database versions not stated): gnomAD exomes below 0.00001; ExAC 0.00001; gnomAD 0.00002; TOPMed 0.00004.
gnomAD v4.1: 5 of 1,613,150 alleles (0.00031%); highest among the groups gnomAD compares: African/African-American, 0.0053%; no homozygotes.

Submission:

Labcorp Genetics (formerly Invitae), Labcorp
Classification: Uncertain significance for Mucopolysaccharidosis, MPS-III-A. Last evaluated: 2025-01-06. Review status: criteria provided, single submitter. Criteria: Invitae Variant Classification Sherloc (09022015). Collection method: clinical testing. Allele origin: germline.
Comment: This sequence change replaces threonine, which is neutral and polar, with alanine, which is neutral and non-polar, at codon 192 of the SGSH protein (p.Thr192Ala). The frequency data for this variant in the population databases is considered unreliable, as metrics indicate poor data quality at this position in the gnomAD database. This variant has not been reported in the literature in individuals affected with SGSH-related conditions. ClinVar contains an entry for this variant (Variation ID: 1375240). Invitae Evidence Modeling of protein sequence and biophysical properties (such as structural, functional, and spatial information, amino acid conservation, physicochemical variation, residue mobility, and thermodynamic stability) indicates that this missense variant is not expected to disrupt SGSH protein function with a negative predictive value of 95%. In summary, the available evidence is currently insufficient to determine the role of this variant in disease. Therefore, it has been classified as a Variant of Uncertain Significance.

NM_000199.5(SGSH):c.574A>G (p.Thr192Ala)

Gene: SGSH (N-sulfoglucosamine sulfohydrolase; minus strand). Cytogenetic location: 17q25.3.
Variant type: single nucleotide variant.
Coding change: c.574A>G on transcript NM_000199.5 (MANE Select); coding-DNA position 574, A replaced by G.
Protein change: p.Thr192Ala; replaces threonine 192 with alanine.
Molecular consequence: missense variant. On other transcripts: non-coding transcript variant (1).
Genome position (GRCh38, 1-based): chr17:80,214,261, T>C on the plus strand (A>G on the coding strand, the complement: SGSH is on the minus strand). VCF-style: chr17-80214261-T-C. GRCh37 (hg19) VCF-style: chr17-78188060-T-C.
Other names: c.574A>G, p.Thr192Ala (NM_001352921.3, NM_001352922.2); short protein forms T192A.
Identifiers: ClinVar variation 1375240 (VCV001375240.5), dbSNP rs764278674, ClinGen allele CA8817941.